The following is an entry in ClinVar:

ClinVar aggregate classification (germline): Uncertain significance. Review status: criteria provided, multiple submitters, no conflicts (2 of 4 stars). 2 submissions from 2 submitters: Uncertain significance (2). Last evaluated 2022-08-26.

Allele frequency attached by ClinVar (database versions not stated): gnomAD exomes 0.00001; ExAC 0.00002.
gnomAD v4.1: 26 of 1,583,536 alleles (0.0016%); highest among the groups gnomAD compares: Non-Finnish European, 0.0021%; no homozygotes.

Submissions (2):

Blueprint Genetics
Classification: Uncertain significance. Last evaluated: 2022-08-26. Review status: criteria provided, single submitter. Criteria: ACMG Guidelines, 2015. Collection method: clinical testing. Allele origin: germline.

Labcorp Genetics (formerly Invitae), Labcorp
Classification: Uncertain significance. Last evaluated: 2022-08-16. Review status: criteria provided, single submitter. Criteria: Invitae Variant Classification Sherloc (09022015). Collection method: clinical testing. Allele origin: germline.
Comment: In summary, the available evidence is currently insufficient to determine the role of this variant in disease. Therefore, it has been classified as a Variant of Uncertain Significance. Algorithms developed to predict the effect of missense changes on protein structure and function are either unavailable or do not agree on the potential impact of this missense change (SIFT: "Deleterious"; PolyPhen-2: "Probably Damaging"; Align-GVGD: "Class C0"). ClinVar contains an entry for this variant (Variation ID: 936432). This variant has not been reported in the literature in individuals affected with ARHGEF18-related conditions. This variant is present in population databases (rs763042128, gnomAD 0.003%). This sequence change replaces isoleucine, which is neutral and non-polar, with threonine, which is neutral and polar, at codon 393 of the ARHGEF18 protein (p.Ile393Thr).

NM_001367823.1(ARHGEF18):c.1742T>C (p.Ile581Thr)

Gene: ARHGEF18 (Rho/Rac guanine nucleotide exchange factor 18; plus strand). Cytogenetic location: 19p13.2.
Variant type: single nucleotide variant.
Coding change: c.1742T>C on transcript NM_001367823.1 (MANE Select); coding-DNA position 1742, T replaced by C.
Protein change: p.Ile581Thr; replaces isoleucine 581 with threonine.
Molecular consequence: missense variant.
Genome position (GRCh38, 1-based): chr19:7,451,153, T>C. VCF-style: chr19-7451153-T-C. GRCh37 (hg19) VCF-style: chr19-7516039-T-C.
Other names: c.1016T>C, p.Ile339Thr (NM_001130955.2); c.704T>C, p.Ile235Thr (NM_001367824.1, NM_015318.4); short protein forms I581T, I235T, I339T.
Identifiers: ClinVar variation 936432 (VCV000936432.10), dbSNP rs763042128, ClinGen allele CA9136595.